The following is an entry in ClinVar:

NM_001375380.1(EBF3):c.1692G>A (p.Ala564=)

Gene: EBF3 (EBF transcription factor 3; minus strand). Cytogenetic location: 10q26.3.
Variant type: single nucleotide variant.
Coding change: c.1692G>A on transcript NM_001375380.1 (MANE Select); coding-DNA position 1692, G replaced by A.
Protein change: p.Ala564=; no amino-acid change (alanine 564 retained).
Molecular consequence: synonymous variant.
Genome position (GRCh38, 1-based): chr10:129,840,312, C>T on the plus strand (G>A on the coding strand, the complement: EBF3 is on the minus strand). VCF-style: chr10-129840312-C-T. GRCh37 (hg19) VCF-style: chr10-131638576-C-T.
Other names: c.1557G>A, p.Ala519= (NM_001005463.3, NM_001375390.1); c.1692G>A, p.Ala564= (NM_001375379.1); c.1584G>A, p.Ala528= (NM_001375389.1, NM_001375391.1); c.1476G>A, p.Ala492= (NM_001375392.1).
Identifiers: ClinVar variation 3250724 (VCV003250724.18), dbSNP rs779933101.

ClinVar aggregate classification (germline): Likely benign (1 of 4 stars; one submission).

Allele frequency attached by ClinVar (database versions not stated): gnomAD 0.00001; TOPMed 0.00002; ExAC 0.00005.
gnomAD v4.1: 51 of 1,590,642 alleles (0.0032%); highest among the groups gnomAD compares: Middle Eastern, 0.017%; no homozygotes.

Submission:

CeGaT Center for Human Genetics Tuebingen
Classification: Likely benign. Last evaluated: 2024-06-01. Review status: criteria provided, single submitter. Criteria: CeGaT Center For Human Genetics Tuebingen Variant Classification Criteria Version 2. Collection method: clinical testing. Allele origin: germline. Affected: yes. Observed: 1 variant allele.
Comment: EBF3: BP4, BP7